The following is an entry in ClinVar:

ClinVar aggregate classification (germline): Uncertain significance (1 of 4 stars; one submission).

Allele frequency attached by ClinVar (database versions not stated): TOPMed 0.00001; gnomAD 0.00002.
gnomAD v4.1: 20 of 1,576,564 alleles (0.0013%); highest among the groups gnomAD compares: Non-Finnish European, 0.0015%; no homozygotes.

Submission:

Labcorp Genetics (formerly Invitae), Labcorp
Classification: Uncertain significance. Last evaluated: 2022-06-27. Review status: criteria provided, single submitter. Criteria: Invitae Variant Classification Sherloc (09022015). Collection method: clinical testing. Allele origin: germline.
Comment: In summary, the available evidence is currently insufficient to determine the role of this variant in disease. Therefore, it has been classified as a Variant of Uncertain Significance. Algorithms developed to predict the effect of missense changes on protein structure and function output the following: SIFT: "Tolerated"; PolyPhen-2: "Benign"; Align-GVGD: "Class C0". The cysteine amino acid residue is found in multiple mammalian species, which suggests that this missense change does not adversely affect protein function. This variant has not been reported in the literature in individuals affected with CPLANE1-related conditions. This variant is not present in population databases (gnomAD no frequency). This sequence change replaces arginine, which is basic and polar, with cysteine, which is neutral and slightly polar, at codon 2768 of the CPLANE1 protein (p.Arg2768Cys).

NM_001384732.1(CPLANE1):c.8464C>T (p.Arg2822Cys)

Gene: CPLANE1 (ciliogenesis and planar polarity effector complex subunit 1; minus strand). Cytogenetic location: 5p13.2.
Variant type: single nucleotide variant.
Coding change: c.8464C>T on transcript NM_001384732.1 (MANE Select); coding-DNA position 8464, C replaced by T.
Protein change: p.Arg2822Cys; replaces arginine 2822 with cysteine.
Molecular consequence: missense variant.
Genome position (GRCh38, 1-based): chr5:37,142,478, G>A on the plus strand (C>T on the coding strand, the complement: CPLANE1 is on the minus strand). VCF-style: chr5-37142478-G-A. GRCh37 (hg19) VCF-style: chr5-37142580-G-A.
Other names: c.8302C>T, p.Arg2768Cys (NM_023073.4); short protein forms R2768C, R2822C.
Identifiers: ClinVar variation 1435641 (VCV001435641.6), dbSNP rs758569421, ClinGen allele CA359472904.